The following is an entry in ClinVar:

NM_003611.3(OFD1):c.195A>C (p.Glu65Asp)

Gene: OFD1 (OFD1 centriole and centriolar satellite protein; plus strand). Cytogenetic location: Xp22.2.
Variant type: single nucleotide variant.
Coding change: c.195A>C on transcript NM_003611.3 (MANE Select); coding-DNA position 195, A replaced by C.
Protein change: p.Glu65Asp; replaces glutamic acid 65 with aspartic acid.
Molecular consequence: missense variant. On other transcripts: 5 prime UTR variant (1).
Genome position (GRCh38, 1-based): chrX:13,736,561, A>C. VCF-style: chrX-13736561-A-C. GRCh37 (hg19) VCF-style: chrX-13754680-A-C.
Other names: c.195A>C, p.Glu65Asp (NM_001330209.2); c.-351A>C (NM_001330210.2); short protein forms E65D.
Identifiers: ClinVar variation 404262 (VCV000404262.1), dbSNP rs1060500184, ClinGen allele CA16616619.

ClinVar aggregate classification (germline): Uncertain significance (1 of 4 stars; one submission).

Conditions:
Orofaciodigital syndrome I (OFD1). Also called: OFDS I; Papillon-Leage and Psaume Syndrome; Oral-Facial-Digital Syndrome Type I. Identifiers: Orphanet 2750, MedGen C1510460, MONDO:0010702, OMIM 311200.
Joubert syndrome. Also called: JOUBERT-BOLTSHAUSER SYNDROME; Familial aplasia of the vermis; CEREBELLOPARENCHYMAL DISORDER IV. Identifiers: Orphanet 475, MedGen C5979921, MONDO:0018772.

Allele frequency attached by ClinVar (database versions not stated): TOPMed below 0.00001; gnomAD 0.00002.
gnomAD v4.1: 2 of 1,207,908 alleles (0.00017%); highest among the groups gnomAD compares: East Asian, 0.003%; no homozygotes.

Submission:

Labcorp Genetics (formerly Invitae), Labcorp
Classification: Uncertain significance for Orofaciodigital syndrome I; Joubert syndrome. Last evaluated: 2016-06-18. Review status: criteria provided, single submitter. Criteria: Invitae Variant Classification Sherloc (09022015). Collection method: clinical testing. Allele origin: germline.
Comment: This sequence change replaces glutamic acid with aspartic acid at codon 65 of the OFD1 protein (p.Glu65Asp). The glutamic acid residue is highly conserved and there is a small physicochemical difference between glutamic acid and aspartic acid. This variant is not present in population databases (ExAC no frequency) and has not been reported in the literature in individuals with a OFD1-related disease. Algorithms developed to predict the effect of missense changes on protein structure and function (SIFT, PolyPhen-2, Align-GVGD) all suggest that this variant is likely to be tolerated, but these predictions have not been confirmed by published functional studies. In summary, this variant is a novel missense change that is not predicted to affect protein function. There is no indication that it causes disease, but the available evidence is currently insufficient to prove that conclusively. Therefore, it has been classified as a Variant of Uncertain Significance.